The following is an entry in ClinVar:

NM_002471.4(MYH6):c.5506G>A (p.Ala1836Thr)

Gene: MYH6 (myosin heavy chain 6; minus strand). Cytogenetic location: 14q11.2.
Variant type: single nucleotide variant.
Coding change: c.5506G>A on transcript NM_002471.4 (MANE Select); coding-DNA position 5506, G replaced by A.
Protein change: p.Ala1836Thr; replaces alanine 1836 with threonine.
Molecular consequence: missense variant.
Genome position (GRCh38, 1-based): chr14:23,384,501, C>T on the plus strand (G>A on the coding strand, the complement: MYH6 is on the minus strand). VCF-style: chr14-23384501-C-T. GRCh37 (hg19) VCF-style: chr14-23853710-C-T.
Other names: short protein forms A1836T.
Identifiers: ClinVar variation 3297503 (VCV003297503.1).

ClinVar aggregate classification (germline): Uncertain significance (1 of 4 stars; one submission).

Conditions:
Cardiovascular phenotype. Identifiers: MedGen CN230736.

gnomAD v4.1: 15 of 1,613,000 alleles (0.00093%); highest among the groups gnomAD compares: East Asian, 0.0022%; no homozygotes.

Submission:

Ambry Genetics
Classification: Uncertain significance for Cardiovascular phenotype. Last evaluated: 2024-06-21. Review status: criteria provided, single submitter. Criteria: Ambry Variant Classification Scheme 2023. Collection method: clinical testing. Allele origin: germline.
Comment: The p.A1836T variant (also known as c.5506G>A), located in coding exon 34 of the MYH6 gene, results from a G to A substitution at nucleotide position 5506. The alanine at codon 1836 is replaced by threonine, an amino acid with similar properties. This amino acid position is conserved. In addition, this alteration is predicted to be tolerated by in silico analysis. Based on the available evidence, the clinical significance of this variant remains unclear.